The following is an entry in ClinVar:

NM_014055.4(IFT81):c.641T>C (p.Val214Ala)

Gene: IFT81 (intraflagellar transport 81; plus strand). Cytogenetic location: 12q24.11.
Variant type: single nucleotide variant.
Coding change: c.641T>C on transcript NM_014055.4 (MANE Select); coding-DNA position 641, T replaced by C.
Protein change: p.Val214Ala; replaces valine 214 with alanine.
Molecular consequence: missense variant. On other transcripts: 5 prime UTR variant (2), non-coding transcript variant (4).
Genome position (GRCh38, 1-based): chr12:110,135,382, T>C. VCF-style: chr12-110135382-T-C. GRCh37 (hg19) VCF-style: chr12-110573187-T-C.
Other names: c.641T>C, p.Val214Ala (NM_001143779.2, NM_001347946.2, NM_031473.4); c.-126T>C (NM_001347947.2, NM_001347948.2); short protein forms V214A.
Identifiers: ClinVar variation 4037572 (VCV004037572.2).

ClinVar aggregate classification (germline): Uncertain significance. Review status: criteria provided, multiple submitters, no conflicts (2 of 4 stars). 2 submissions from 2 submitters: Uncertain significance (2). Last evaluated 2026-06-10.

Conditions:
IFT81-related disorder. Also called: IFT81-related condition.
Inborn genetic diseases. Identifiers: MedGen C0950123, MeSH D030342.

gnomAD v4.1: 24 of 1,613,196 alleles (0.0015%); highest among the groups gnomAD compares: African/African-American, 0.017%; no homozygotes.

Submissions (2):

PreventionGenetics, part of Exact Sciences
Classification: Uncertain significance for IFT81-related condition. Last evaluated: 2026-06-10. Review status: criteria provided, single submitter. Criteria: ACMG Guidelines, 2015. Collection method: clinical testing. Allele origin: germline.
Comment: The IFT81 c.641T>C variant is predicted to result in the amino acid substitution p.Val214Ala. To our knowledge, this variant has not been reported in the literature. This variant is reported in 0.028% of alleles in individuals of African descent in gnomAD. At this time, the clinical significance of this variant is uncertain due to the absence of conclusive functional and genetic evidence.

Ambry Genetics
Classification: Uncertain significance for Inborn genetic diseases. Last evaluated: 2025-05-25. Review status: criteria provided, single submitter. Criteria: Ambry Variant Classification Scheme 2023. Collection method: clinical testing. Allele origin: germline.